The following is an entry in ClinVar:

ClinVar aggregate classification (germline): Uncertain significance (1 of 4 stars; one submission).

Submission:

Labcorp Genetics (formerly Invitae), Labcorp
Classification: Uncertain significance. Last evaluated: 2022-03-10. Review status: criteria provided, single submitter. Criteria: Invitae Variant Classification Sherloc (09022015). Collection method: clinical testing. Allele origin: germline.
Comment: This sequence change replaces glutamine, which is neutral and polar, with lysine, which is basic and polar, at codon 710 of the AHR protein (p.Gln710Lys). This variant is not present in population databases (gnomAD no frequency). This variant has not been reported in the literature in individuals affected with AHR-related conditions. Algorithms developed to predict the effect of missense changes on protein structure and function (SIFT, PolyPhen-2, Align-GVGD) all suggest that this variant is likely to be tolerated. In summary, the available evidence is currently insufficient to determine the role of this variant in disease. Therefore, it has been classified as a Variant of Uncertain Significance.

NM_001621.5(AHR):c.2128C>A (p.Gln710Lys)

Gene: AHR (aryl hydrocarbon receptor; plus strand). Cytogenetic location: 7p21.1.
Variant type: single nucleotide variant.
Coding change: c.2128C>A on transcript NM_001621.5 (MANE Select); coding-DNA position 2128, C replaced by A.
Protein change: p.Gln710Lys; replaces glutamine 710 with lysine.
Molecular consequence: missense variant.
Genome position (GRCh38, 1-based): chr7:17,339,953, C>A. VCF-style: chr7-17339953-C-A. GRCh37 (hg19) VCF-style: chr7-17379577-C-A.
Other names: short protein forms Q710K.
Identifiers: ClinVar variation 1510520 (VCV001510520.6), dbSNP rs1782400969, ClinGen allele CA366896133.